The following is an entry in ClinVar:

NM_138694.4(PKHD1):c.4199C>T (p.Ser1400Leu)

Gene: PKHD1 (PKHD1 ciliary IPT domain containing fibrocystin/polyductin; minus strand). Cytogenetic location: 6p12.2.
Variant type: single nucleotide variant.
Coding change: c.4199C>T on transcript NM_138694.4 (MANE Select); coding-DNA position 4199, C replaced by T.
Protein change: p.Ser1400Leu; replaces serine 1400 with leucine.
Molecular consequence: missense variant.
Genome position (GRCh38, 1-based): chr6:52,025,611, G>A on the plus strand (C>T on the coding strand, the complement: PKHD1 is on the minus strand). VCF-style: chr6-52025611-G-A. GRCh37 (hg19) VCF-style: chr6-51890409-G-A.
Other names: c.4199C>T, p.Ser1400Leu (NM_170724.3); short protein forms S1400L.
Identifiers: ClinVar variation 458597 (VCV000458597.26), dbSNP rs191201723, ClinGen allele CA3852760.

ClinVar aggregate classification (germline): Conflicting classifications of pathogenicity. Review status: criteria provided, conflicting classifications (1 of 4 stars). 9 submissions from 9 submitters: Likely pathogenic (3); Uncertain significance (5). 1 of the submissions does not count toward it. Last evaluated 2026-06-08.

Conditions:
Polycystic kidney disease 4 (PKD4). Also called: PKD3; Autosomal Recessive Polycystic Kidney Disease – PKHD1; POLYCYSTIC KIDNEY AND HEPATIC DISEASE 1; POLYCYSTIC KIDNEY DISEASE, INFANTILE, TYPE I; POLYCYSTIC KIDNEY DISEASE 4 WITH OR WITHOUT POLYCYSTIC LIVER DISEASE. Identifiers: MedGen C4540575, MONDO:0033004, OMIM 263200.
Autosomal recessive polycystic kidney disease (ARPKD). Also called: AR polycystic kidney disease. Identifiers: Orphanet 731, Orphanet 8378, MedGen C0085548, MeSH D017044, MONDO:0009889.

Allele frequency attached by ClinVar (database versions not stated): ExAC 0.00001; gnomAD 0.00002; gnomAD exomes 0.00002; TOPMed 0.00004; ESP Exome Variant Server 0.00008; 1000 Genomes Project 30x 0.00016; 1000 Genomes Project 0.00020.
gnomAD v4.1: 41 of 1,614,098 alleles (0.0025%); highest among the groups gnomAD compares: African/African-American, 0.004%; no homozygotes.

Submissions (9):

Women's Health and Genetics/Laboratory Corporation of America, LabCorp
Classification: Uncertain significance. Last evaluated: 2026-06-08. Review status: criteria provided, single submitter. Criteria: LabCorp Variant Classification Summary - May 2015. Collection method: clinical testing. Allele origin: germline.
Comment: Variant summary: PKHD1 c.4199C>T (p.Ser1400Leu) results in a non-conservative amino acid change in the encoded protein sequence. Algorithms developed to predict the effect of missense changes on protein structure and function are either unavailable or do not agree on the potential impact of this missense change. The variant allele was found at a frequency of 2.4e-05 in 251358 control chromosomes. c.4199C>T has been observed in the compound heterozygous state in at least 2 individual(s) affected with autosomal recessive polycystic kidney disease (example, Li_2023, Jayasinghe_2021). It was also found in the simple heterozygous state in an individual with PKD with an unknown second allele (example, Melchionda_2016). These data indicate that the variant may be associated with disease. To our knowledge, no experimental evidence demonstrating an impact on protein function has been reported. The following publications have been ascertained in the context of this evaluation (PMID: 27225849, 36835961, 32939031). ClinVar contains an entry for this variant (Variation ID: 458597). Based on the evidence outlined above, the variant was classified as VUS-possibly pathogenic.

Myriad Genetics, Inc.
Classification: Uncertain significance for Polycystic kidney disease 4. Last evaluated: 2026-04-06. Review status: criteria provided, single submitter. Criteria: Myriad Autosomal Dominant, Autosomal Recessive and X-Linked Classification Criteria (2023). Collection method: clinical testing. Allele origin: unknown.
Comment: NM_138694.3(PKHD1):c.4199C>T(S1400L) is a missense variant classified as a variant of uncertain significance in the context of autosomal recessive polycystic kidney disease, PKHD1-related. S1400L has been observed in cases with relevant disease (PMID: 27225849, 32939031, 36835961). Relevant functional assessments of this variant are not available in the literature. S1400L has been observed in referenced population frequency databases. In summary, there is insufficient evidence to classify NM_138694.3(PKHD1):c.4199C>T(S1400L) as pathogenic or benign. Please note: this variant was assessed in the context of healthy population screening.

Natera, Inc.
Classification: Likely pathogenic for Autosomal recessive polycystic kidney disease. Last evaluated: 2025-11-05. Review status: criteria provided, single submitter. Criteria: Natera Variant Classification Schema (03/2026). Collection method: clinical testing. Allele origin: germline.
Comment: The c.4199C>T variant in PKHD1 is a missense variant predicted to cause substitution of serine to leucine at amino acid 1400. This variant is rare in the general population with a frequency below the threshold expected for the associated phenotype(s). This variant has been observed in one or more individuals affected with the associated recessive disease, as either homozygous or compound heterozygous with a second variant (PMID: 32939031, 36835961). Given the available evidence, this variant is classified as Likely Pathogenic.

Fulgent Genetics
Classification: Likely pathogenic for Polycystic kidney disease 4. Last evaluated: 2024-05-14. Review status: criteria provided, single submitter. Criteria: ACMG Guidelines, 2015. Collection method: clinical testing. Allele origin: germline.

Labcorp Genetics (formerly Invitae), Labcorp
Classification: Uncertain significance for Autosomal recessive polycystic kidney disease. Last evaluated: 2021-08-25. Review status: criteria provided, single submitter. Criteria: Invitae Variant Classification Sherloc (09022015). Collection method: clinical testing. Allele origin: germline.
Comment: This sequence change replaces serine with leucine at codon 1400 of the PKHD1 protein (p.Ser1400Leu). The serine residue is highly conserved and there is a large physicochemical difference between serine and leucine. This variant is present in population databases (rs191201723, ExAC 0.01%). This missense change has been observed in individual(s) with polycystic kidney disease (PMID: 27225849). Algorithms developed to predict the effect of missense changes on protein structure and function output the following: SIFT: "Deleterious"; PolyPhen-2: "Possibly Damaging"; Align-GVGD: "Class C0". The leucine amino acid residue is found in multiple mammalian species, which suggests that this missense change does not adversely affect protein function. In summary, the available evidence is currently insufficient to determine the role of this variant in disease. Therefore, it has been classified as a Variant of Uncertain Significance.

Victorian Clinical Genetics Services, Murdoch Childrens Research Institute
Classification: Likely pathogenic for Polycystic kidney disease 4. Last evaluated: 2018-05-14. Review status: criteria provided, single submitter. Criteria: ACMG Guidelines, 2015. Collection method: clinical testing. Allele origin: unknown. Affected: yes.
Comment: A heterozygous missense variant, NM_138694.3(PKHD1):c.4199C>T, has been identified in exon 32 of 67 in the PKHD1 gene. The variant is predicted to result in a major amino acid change from a serine to a leucine at position 1400 of the protein, NP_619639.3(PKHD1):p.(Ser1400Leu). The serine residue at this position has low conservation (100 vertebrates, UCSC), however is located within the IPT functional domain. In silico predictions of pathogenicity for this variant are conflicting (Polyphen, SIFT, CADD, Mutation Taster). The variant is present in the gnomAD database at a frequency of 0.0024% (6 heterozygotes, 0 homozygotes) and has been previously described as a VUS in an individual with polycystic kidney disease, however a second variant was not identified in that individual (ClinVar). Parental testing has indicated this variant is in trans with c.8870T>C. Based on the information available at the time of curation, this variant has been classified as LIKELY PATHOGENIC. NB: This variant has been reclassified to likely pathogenic due to compound heterozygous inheritance.

Eurofins Ntd Llc (ga)
Classification: Uncertain significance. Last evaluated: 2018-05-11. Review status: criteria provided, single submitter. Criteria: EGL ClinVar v180209 classification definitions. Collection method: clinical testing. Allele origin: germline. Observed: 1 variant allele, 1 heterozygote.

Illumina Laboratory Services, Illumina
Classification: Uncertain significance for Polycystic kidney disease 4. Last evaluated: 2018-01-13. Review status: criteria provided, single submitter. Criteria: ICSL Variant Classification Criteria 13 December 2019. Collection method: clinical testing. Allele origin: germline.

Counsyl
Classification: Uncertain significance for Polycystic kidney disease 4. Last evaluated: 2017-02-23. Review status: no assertion criteria provided. Collection method: clinical testing. Allele origin: unknown. Not counted in ClinVar's aggregate classification.

Literature cited by the submitters: PubMed 27225849 (cited by 4 submitters); PubMed 32939031 (cited by 3 submitters); PubMed 36835961 (cited by 3 submitters).